The following is an entry in ClinVar:

NM_145262.4(GLYCTK):c.1157T>G (p.Leu386Arg)

Gene: GLYCTK (glycerate kinase; plus strand). Cytogenetic location: 3p21.2.
Variant type: single nucleotide variant.
Coding change: c.1157T>G on transcript NM_145262.4 (MANE Select); coding-DNA position 1157, T replaced by G.
Protein change: p.Leu386Arg; replaces leucine 386 with arginine.
Molecular consequence: missense variant. On other transcripts: 3 prime UTR variant (1), non-coding transcript variant (2).
Genome position (GRCh38, 1-based): chr3:52,292,711, T>G. VCF-style: chr3-52292711-T-G. GRCh37 (hg19) VCF-style: chr3-52326727-T-G.
Other names: c.*276T>G (NM_001144951.2); short protein forms L386R.
Identifiers: ClinVar variation 1478772 (VCV001478772.6), dbSNP rs2153221153, ClinGen allele CA353075350.

ClinVar aggregate classification (germline): Uncertain significance (1 of 4 stars; one submission).

Submission:

Labcorp Genetics (formerly Invitae), Labcorp
Classification: Uncertain significance. Last evaluated: 2022-07-25. Review status: criteria provided, single submitter. Criteria: Invitae Variant Classification Sherloc (09022015). Collection method: clinical testing. Allele origin: germline.
Comment: ClinVar contains an entry for this variant (Variation ID: 1478772). This sequence change replaces leucine, which is neutral and non-polar, with arginine, which is basic and polar, at codon 386 of the GLYCTK protein (p.Leu386Arg). This variant is not present in population databases (gnomAD no frequency). This variant has not been reported in the literature in individuals affected with GLYCTK-related conditions. Algorithms developed to predict the effect of missense changes on protein structure and function are either unavailable or do not agree on the potential impact of this missense change (SIFT: "Deleterious"; PolyPhen-2: "Benign"; Align-GVGD: "Class C0"). In summary, the available evidence is currently insufficient to determine the role of this variant in disease. Therefore, it has been classified as a Variant of Uncertain Significance.